The following is an entry in ClinVar:

ClinVar aggregate classification (germline): Uncertain significance. Review status: criteria provided, multiple submitters, no conflicts (2 of 4 stars). 2 submissions from 2 submitters: Uncertain significance (2). Last evaluated 2026-03-18.

Conditions:
Hereditary cancer-predisposing syndrome. Also called: Neoplastic Syndromes, Hereditary; Tumor predisposition; Hereditary Cancer Syndrome; Hereditary neoplastic syndrome. Identifiers: Orphanet 140162, MedGen C0027672, MeSH D009386, MONDO:0015356.
Gorlin syndrome. Also called: Nevoid Basal Cell Carcinoma Syndrome; Basal cell nevus syndrome. Identifiers: Orphanet 377, MedGen C0004779, MONDO:0007187.

Submissions (2):

Ambry Genetics
Classification: Uncertain significance for Hereditary cancer-predisposing syndrome. Last evaluated: 2026-03-18. Review status: criteria provided, single submitter. Criteria: Ambry Variant Classification Scheme 2023. Collection method: clinical testing. Allele origin: germline.
Comment: The p.R73Q variant (also known as c.218G>A), located in coding exon 2 of the PTCH1 gene, results from a G to A substitution at nucleotide position 218. The arginine at codon 73 is replaced by glutamine, an amino acid with highly similar properties. This amino acid position is well conserved in available vertebrate species. In addition, the in silico prediction for this alteration is inconclusive. Based on the available evidence, the clinical significance of this variant remains unclear.

Labcorp Genetics (formerly Invitae), Labcorp
Classification: Uncertain significance for Gorlin syndrome. Last evaluated: 2025-08-21. Review status: criteria provided, single submitter. Criteria: Invitae Variant Classification Sherloc (09022015). Collection method: clinical testing. Allele origin: germline.
Comment: This sequence change replaces arginine, which is basic and polar, with glutamine, which is neutral and polar, at codon 73 of the PTCH1 protein (p.Arg73Gln). This variant is not present in population databases (gnomAD no frequency). This variant has not been reported in the literature in individuals affected with PTCH1-related conditions. ClinVar contains an entry for this variant (Variation ID: 1945552). Invitae Evidence Modeling of protein sequence and biophysical properties (such as structural, functional, and spatial information, amino acid conservation, physicochemical variation, residue mobility, and thermodynamic stability) indicates that this missense variant is not expected to disrupt PTCH1 protein function with a negative predictive value of 95%. In summary, the available evidence is currently insufficient to determine the role of this variant in disease. Therefore, it has been classified as a Variant of Uncertain Significance.

NM_000264.5(PTCH1):c.218G>A (p.Arg73Gln)

Gene: PTCH1 (patched 1; minus strand). Cytogenetic location: 9q22.32.
Variant type: single nucleotide variant.
Coding change: c.218G>A on transcript NM_000264.5 (MANE Select); coding-DNA position 218, G replaced by A.
Protein change: p.Arg73Gln; replaces arginine 73 with glutamine.
Molecular consequence: missense variant. On other transcripts: 5 prime UTR variant (4), non-coding transcript variant (1).
Genome position (GRCh38, 1-based): chr9:95,506,583, C>T on the plus strand (G>A on the coding strand, the complement: PTCH1 is on the minus strand). VCF-style: chr9-95506583-C-T. GRCh37 (hg19) VCF-style: chr9-98268865-C-T.
Other names: c.20G>A, p.Arg7Gln (NM_001083602.3, NM_001354919.2); c.215G>A, p.Arg72Gln (NM_001083603.3); c.-236G>A (NM_001083604.3, NM_001083605.3, NM_001083606.3 and 1 more transcripts); c.218G>A, p.Arg73Gln (NM_001354918.2); short protein forms R72Q, R7Q, R73Q.
Identifiers: ClinVar variation 1945552 (VCV001945552.6), dbSNP rs2538384958, ClinGen allele CA374120719.
Genomic context (GRCh38, chr9:95,506,583, plus strand): 5'-TAACAACCCAGTTTAAATAAGAGTCTCTGAAACTTCGCTCTCAGCCACAGCGGCGCTTTC[C>T]GGCCAGTAGCCTTCCCCTGGGGACGAAGCAGAAGGGAGGAGTGAGCGCCGGGGAGTCGCG-3'
Protein context (NP_000255.2, residues 63-83): EQISKGKATG[Arg73Gln]KAPLWLRAKF